The following is an entry in ClinVar:

ClinVar aggregate classification (germline): Uncertain significance (1 of 4 stars; one submission).

Conditions:
Congenital disorder of glycosylation, type IIq. Also called: CDG IIq. Identifiers: Orphanet 435934, MedGen C4479353, MONDO:0054559, OMIM 617395.

Allele frequency attached by ClinVar (database versions not stated): gnomAD exomes below 0.00001.
gnomAD v4.1: 1 of 1,613,908 alleles (0.000062%); no homozygotes.

Submission:

Labcorp Genetics (formerly Invitae), Labcorp
Classification: Uncertain significance for Congenital disorder of glycosylation, type IIq. Last evaluated: 2025-04-08. Review status: criteria provided, single submitter. Criteria: Invitae Variant Classification Sherloc (09022015). Collection method: clinical testing. Allele origin: germline.
Comment: This sequence change replaces arginine, which is basic and polar, with glycine, which is neutral and non-polar, at codon 37 of the COG2 protein (p.Arg37Gly). This variant is not present in population databases (gnomAD no frequency). This variant has not been reported in the literature in individuals affected with COG2-related conditions. ClinVar contains an entry for this variant (Variation ID: 1464722). Invitae Evidence Modeling of protein sequence and biophysical properties (such as structural, functional, and spatial information, amino acid conservation, physicochemical variation, residue mobility, and thermodynamic stability) indicates that this missense variant is expected to disrupt COG2 protein function with a positive predictive value of 80%. In summary, the available evidence is currently insufficient to determine the role of this variant in disease. Therefore, it has been classified as a Variant of Uncertain Significance.

NM_007357.3(COG2):c.109A>G (p.Arg37Gly)

Gene: COG2 (component of oligomeric golgi complex 2; plus strand). Cytogenetic location: 1q42.2.
Variant type: single nucleotide variant.
Coding change: c.109A>G on transcript NM_007357.3 (MANE Select); coding-DNA position 109, A replaced by G.
Protein change: p.Arg37Gly; replaces arginine 37 with glycine.
Molecular consequence: missense variant.
Genome position (GRCh38, 1-based): chr1:230,659,500, A>G. VCF-style: chr1-230659500-A-G. GRCh37 (hg19) VCF-style: chr1-230795246-A-G.
Other names: c.109A>G, p.Arg37Gly (NM_001145036.2); short protein forms R37G.
Identifiers: ClinVar variation 1464722 (VCV001464722.6), dbSNP rs2102749319, ClinGen allele CA345200245.